The following is an entry in ClinVar:

ClinVar aggregate classification (germline): Likely pathogenic (1 of 4 stars; one submission).

Conditions:
Anemia, nonspherocytic hemolytic, due to G6PD deficiency (CNSHA1). Also called: Hemolytic anemia due to G6PD deficiency; Class I glucose-6-phosphate dehydrogenase deficiency; Favism, susceptibility to; ANEMIA, CONGENITAL, NONSPHEROCYTIC HEMOLYTIC, 1. Identifiers: Orphanet 466026, MedGen C2720289, MONDO:0010480, OMIM 300908.

Submission:

Dunham Lab, University of Washington
Classification: Likely pathogenic for Anemia, nonspherocytic hemolytic, due to G6PD deficiency. Last evaluated: 2022-08-12. Review status: criteria provided, single submitter. Criteria: Bayesian ACMG Guidelines, 2018. Collection method: curation. Allele origin: unknown. Affected: yes.
Comment: Decreased activity in red blood cells of hemizygote (PS3). Not observed in gnomAD (PM2). Post_P 0.949 (odds of pathogenicity 168.4, Prior_P 0.1).

Literature cited by the submitters: PubMed 19589177.

NM_001360016.2(G6PD):c.197T>G (p.Phe66Cys)

Gene: G6PD (glucose-6-phosphate dehydrogenase; minus strand). Cytogenetic location: Xq28.
Variant type: single nucleotide variant.
Coding change: c.197T>G on transcript NM_001360016.2 (MANE Select); coding-DNA position 197, T replaced by G.
Protein change: p.Phe66Cys; replaces phenylalanine 66 with cysteine.
Molecular consequence: missense variant.
Genome position (GRCh38, 1-based): chrX:154,536,007, A>C on the plus strand (T>G on the coding strand, the complement: G6PD is on the minus strand). VCF-style: chrX-154536007-A-C. GRCh37 (hg19) VCF-style: chrX-153764222-A-C.
Other names: G6PD Vietnam 2; c.287T>G, p.Phe96Cys (NM_000402.4); c.197T>G, p.Phe66Cys (NM_001042351.3); short protein forms F66C, F96C.
Identifiers: ClinVar variation 1722710 (VCV001722710.2), dbSNP rs2523272843, ClinGen allele CA415239847.
Genomic context (GRCh38, chrX:154,536,007, plus strand): 5'-GGCTCACTCTGTTTGCGGATGTCAGCCACTGTGAGGCGGGAACGGGCATAGCCCACGATG[A>C]AGGTGTTTTCGGGCAGAAGGCCATCCCGGAACAGCCACCTGAGGGCAGGGCACAGCTGTA-3'
Protein context (NP_001346945.1, residues 56-76): FRDGLLPENT[Phe66Cys]IVGYARSRLT